The following is an entry in ClinVar:

NM_017636.4(TRPM4):c.2017C>G (p.Gln673Glu)

Gene: TRPM4 (transient receptor potential cation channel subfamily M member 4; plus strand). Cytogenetic location: 19q13.33.
Variant type: single nucleotide variant.
Coding change: c.2017C>G on transcript NM_017636.4 (MANE Select); coding-DNA position 2017, C replaced by G.
Protein change: p.Gln673Glu; replaces glutamine 673 with glutamic acid.
Molecular consequence: missense variant.
Genome position (GRCh38, 1-based): chr19:49,189,089, C>G. VCF-style: chr19-49189089-C-G. GRCh37 (hg19) VCF-style: chr19-49692346-C-G.
Other names: c.2017C>G, p.Gln673Glu (NM_001195227.2); c.1672C>G, p.Gln558Glu (NM_001321281.2); c.409C>G, p.Gln137Glu (NM_001321282.2); c.1495C>G, p.Gln499Glu (NM_001321283.2); c.955C>G, p.Gln319Glu (NM_001321285.2); short protein forms Q319E, Q499E, Q673E, Q137E, Q558E.
Identifiers: ClinVar variation 2130120 (VCV002130120.4), dbSNP rs762656544, ClinGen allele CA9569396.

ClinVar aggregate classification (germline): Uncertain significance (1 of 4 stars; one submission).

Conditions:
Progressive familial heart block type IB (PFHB1B). Identifiers: Orphanet 871, MedGen C1970298, MONDO:0011474, OMIM 604559.

Allele frequency attached by ClinVar (database versions not stated): ExAC 0.00001.

Submission:

Labcorp Genetics (formerly Invitae), Labcorp
Classification: Uncertain significance for Progressive familial heart block type IB. Last evaluated: 2022-04-24. Review status: criteria provided, single submitter. Criteria: Invitae Variant Classification Sherloc (09022015). Collection method: clinical testing. Allele origin: germline.
Comment: In summary, the available evidence is currently insufficient to determine the role of this variant in disease. Therefore, it has been classified as a Variant of Uncertain Significance. Algorithms developed to predict the effect of missense changes on protein structure and function are either unavailable or do not agree on the potential impact of this missense change (SIFT: "Deleterious"; PolyPhen-2: "Probably Damaging"; Align-GVGD: "Class C0"). This variant has not been reported in the literature in individuals affected with TRPM4-related conditions. This variant is present in population databases (rs762656544, gnomAD 0.0009%). This sequence change replaces glutamine, which is neutral and polar, with glutamic acid, which is acidic and polar, at codon 673 of the TRPM4 protein (p.Gln673Glu).